The following is an entry in ClinVar:

ClinVar aggregate classification (germline): Likely benign (1 of 4 stars; one submission).

Conditions:
SEMA3D-related disorder. Also called: SEMA3D-related condition.

gnomAD v4.1: 59 of 1,611,516 alleles (0.0037%); highest among the groups gnomAD compares: South Asian, 0.043%; 1 homozygote.

Submission:

PreventionGenetics, part of Exact Sciences
Classification: Likely benign for SEMA3D-related condition. Last evaluated: 2025-07-31. Review status: criteria provided, single submitter. Criteria: ACMG Guidelines, 2015. Collection method: clinical testing. Allele origin: germline.
Comment: This variant is classified as likely benign based on ACMG/AMP sequence variant interpretation guidelines (Richards et al. 2015 PMID: 25741868, with internal and published modifications).

NM_001384900.1(SEMA3D):c.1623C>T (p.Cys541=)

Gene: SEMA3D (semaphorin 3D; minus strand). Cytogenetic location: 7q21.11.
Variant type: single nucleotide variant.
Coding change: c.1623C>T on transcript NM_001384900.1 (MANE Select); coding-DNA position 1623, C replaced by T.
Protein change: p.Cys541=; no amino-acid change (cysteine 541 retained).
Molecular consequence: synonymous variant.
Genome position (GRCh38, 1-based): chr7:85,015,139, G>A on the plus strand (C>T on the coding strand, the complement: SEMA3D is on the minus strand). VCF-style: chr7-85015139-G-A. GRCh37 (hg19) VCF-style: chr7-84644455-G-A.
Other names: c.1623C>T, p.Cys541= (NM_001384901.1, NM_001384902.1, NM_001384903.1 and 1 more transcripts).
Identifiers: ClinVar variation 4978895 (VCV004978895.1).
Genomic context (GRCh38, chr7:85,015,139, plus strand): 5'-TCGAGAGCATGCATTTCCATCCCAGGCACAGTAGGGGTCTCTGGCAAGACAACAGTCTGC[G>A]CAAGCTTTCCCATAAGTGTCGCATCTGTGCAAGGAGAGCTGAACCAATCCATCTCGGGAA-3'
Protein context (NP_001371829.1, residues 531-551): LHRCDTYGKA[Cys541=]ADCCLARDPY